The following is an entry in ClinVar:

ClinVar aggregate classification (somatic clinical impact): Tier II - Potential (1 of 4 stars; one submission).

Conditions:
Chronic myelomonocytic leukemia (CMML). Identifiers: Orphanet 98823, MedGen C0023480, MONDO:0020311, HP:0012325.

Submission:

Clinical Genetics Laboratory, Hai Phong University of Medicine and Pharmacy
Classification: Tier II - Potential for Chronic myelomonocytic leukemia. Assertion type: diagnostic. Clinical significance: supports diagnosis. Last evaluated: 2026-02-28. Review status: criteria provided, single submitter. Criteria: AMP/ASCO/CAP Guidelines, 2017. Collection method: research. Allele origin: somatic. Affected: yes.
Comment: Classification based on AMP/ASCO/CAP 2017 somatic variant interpretation guidelines (PMID:27993330). Evidence for Tier II - Potential (diagnostic: supports diagnosis for Chronic Myelomonocytic Leukemia, MONDO:0020311): - Level C (Clinical evidence - limited): IL2RA structural rearrangements have been reported in myeloid neoplasms. CD25 (IL2RA) aberrant expression is a recognized diagnostic marker in CMML (PMID:33785864; PMID:32873636). - Level C (Biological evidence): The translocation t(10;14)(p15.1;q11.2) disrupts the IL2RA locus, which encodes the IL-2 receptor alpha chain involved in myeloid cell proliferation and survival signaling. Structural disruption is predicted to alter receptor function relevant to leukemogenesis. Classified as Tier II - Potential (not Tier I) due to absence of current professional society guideline endorsement for this specific variant in CMML. Detected by whole-genome sequencing; structural variant identified using Manta caller.

Literature cited by the submitters: PubMed 33785864; PubMed 32873636.

t(10;14)(p15.1;q11.2)

Gene: IL2RA (interleukin 2 receptor subunit alpha; minus strand). Cytogenetic location: 10p15.1.
Variant type: Translocation.
Identifiers: ClinVar variation 4852453 (VCV004852453.1).